The following is an entry in ClinVar:

ClinVar aggregate classification (germline): Likely benign (1 of 4 stars; one submission).

Submission:

CeGaT Center for Human Genetics Tuebingen
Classification: Likely benign. Last evaluated: 2024-06-01. Review status: criteria provided, single submitter. Criteria: CeGaT Center For Human Genetics Tuebingen Variant Classification Criteria Version 2. Collection method: clinical testing. Allele origin: germline. Affected: yes. Observed: 1 variant allele.
Comment: PLS3: PM2:Supporting, BP4, BP7

NM_005032.7(PLS3):c.912T>C (p.His304=)

Gene: PLS3 (plastin 3; plus strand). Cytogenetic location: Xq23.
Variant type: single nucleotide variant.
Coding change: c.912T>C on transcript NM_005032.7 (MANE Select); coding-DNA position 912, T replaced by C.
Protein change: p.His304=; no amino-acid change (histidine 304 retained).
Molecular consequence: synonymous variant.
Genome position (GRCh38, 1-based): chrX:115,640,428, T>C. VCF-style: chrX-115640428-T-C. GRCh37 (hg19) VCF-style: chrX-114874740-T-C.
Other names: c.912T>C, p.His304= (NM_001136025.5); c.831T>C, p.His277= (NM_001172335.3); c.873T>C, p.His291= (NM_001282337.2); c.777T>C, p.His259= (NM_001282338.2).
Identifiers: ClinVar variation 3251138 (VCV003251138.18), dbSNP rs2521498677.